The following is an entry in ClinVar:

ClinVar aggregate classification (germline): Pathogenic. Review status: criteria provided, multiple submitters, no conflicts (2 of 4 stars). 2 submissions from 2 submitters: Pathogenic (2). Last evaluated 2023-11-24.

Conditions:
Anemia, nonspherocytic hemolytic, due to G6PD deficiency (CNSHA1). Also called: Hemolytic anemia due to G6PD deficiency; Class I glucose-6-phosphate dehydrogenase deficiency; Favism, susceptibility to; ANEMIA, CONGENITAL, NONSPHEROCYTIC HEMOLYTIC, 1. Identifiers: Orphanet 466026, MedGen C2720289, MONDO:0010480, OMIM 300908.

Submissions (2):

Labcorp Genetics (formerly Invitae), Labcorp
Classification: Pathogenic for Anemia, nonspherocytic hemolytic, due to G6PD deficiency. Last evaluated: 2023-11-24. Review status: criteria provided, single submitter. Criteria: Invitae Variant Classification Sherloc (09022015). Collection method: clinical testing. Allele origin: germline.
Comment: This sequence change replaces alanine, which is neutral and non-polar, with threonine, which is neutral and polar, at codon 44 of the G6PD protein (p.Ala44Thr). This variant is not present in population databases (gnomAD no frequency). This missense change has been observed in individual(s) with clinical features of G6PD-related conditions (PMID: 17524386). ClinVar contains an entry for this variant (Variation ID: 1722650). Advanced modeling of protein sequence and biophysical properties (such as structural, functional, and spatial information, amino acid conservation, physicochemical variation, residue mobility, and thermodynamic stability) performed at Invitae indicates that this missense variant is expected to disrupt G6PD protein function with a positive predictive value of 95%. This variant disrupts the p.Ala44 amino acid residue in G6PD. Other variant(s) that disrupt this residue have been determined to be pathogenic (PMID: 8533762, 15315792, 22906047, 27880809). This suggests that this residue is clinically significant, and that variants that disrupt this residue are likely to be disease-causing. For these reasons, this variant has been classified as Pathogenic.

Dunham Lab, University of Washington
Classification: Pathogenic for Anemia, nonspherocytic hemolytic, due to G6PD deficiency. Last evaluated: 2022-08-12. Review status: criteria provided, single submitter. Criteria: Bayesian ACMG Guidelines, 2018. Collection method: curation. Allele origin: maternal. Affected: yes.
Comment: Variant found in two hemizygous brothers and heterozygous mother, all with G6PD deficiency (PP1, PP4). Decreased actvity in red blood cells (8-23%) (PS3). In GxxGDLA NADP binding site (PM1). Not found in gnomAD (PM2). Post_P 0.994 (odds of pathogenicity 1517, Prior_P 0.1).

Literature cited by the submitters: PubMed 17524386 (cited by Labcorp Genetics (formerly Invitae), Labcorp and Dunham Lab, University of Washington); PubMed 8533762 (cited by Labcorp Genetics (formerly Invitae), Labcorp); PubMed 15315792 (cited by Labcorp Genetics (formerly Invitae), Labcorp); PubMed 22906047 (cited by Labcorp Genetics (formerly Invitae), Labcorp); PubMed 27880809 (cited by Labcorp Genetics (formerly Invitae), Labcorp); PubMed 10916676 (cited by Dunham Lab, University of Washington).

NM_001360016.2(G6PD):c.130G>A (p.Ala44Thr)

Gene: G6PD (glucose-6-phosphate dehydrogenase; minus strand). Cytogenetic location: Xq28.
Variant type: single nucleotide variant.
Coding change: c.130G>A on transcript NM_001360016.2 (MANE Select); coding-DNA position 130, G replaced by A.
Protein change: p.Ala44Thr; replaces alanine 44 with threonine.
Molecular consequence: missense variant.
Genome position (GRCh38, 1-based): chrX:154,536,169, C>T on the plus strand (G>A on the coding strand, the complement: G6PD is on the minus strand). VCF-style: chrX-154536169-C-T. GRCh37 (hg19) VCF-style: chrX-153764384-C-T.
Other names: G6PD Rignano; c.220G>A, p.Ala74Thr (NM_000402.4); c.130G>A, p.Ala44Thr (NM_001042351.3); short protein forms A44T, A74T.
Identifiers: ClinVar variation 1722650 (VCV001722650.5), dbSNP rs2523273296, ClinGen allele CA415240196.